The following is an entry in ClinVar:

NM_000426.4(LAMA2):c.8356del (p.Arg2786fs)

Genes: LAMA2 (laminin subunit alpha 2; plus strand), LOC126859784 (CDK7 strongly-dependent group 2 enhancer GRCh37_chr6:129822854-129824053; plus strand). Cytogenetic location: 6q22.33.
Variant type: Deletion.
Coding change: c.8356del on transcript NM_000426.4 (MANE Select); coding-DNA position 8356, one base deleted (C; older notation c.8356delC).
Protein change: p.Arg2786fs; shifts the reading frame from arginine 2786.
Molecular consequence: frameshift variant.
Genome position (GRCh38, 1-based): chr6:129,502,770, C deleted; the last of 2 consecutive C bases (chr6:129,502,769-129,502,770); deleting either gives the same sequence. VCF-style (leftmost placement, unchanged base first): chr6-129502768-AC-A. GRCh37 (hg19) VCF-style: chr6-129823913-AC-A.
Other names: c.8344del, p.Arg2782fs (NM_001079823.2); short protein forms R2782fs, R2786fs.
Identifiers: ClinVar variation 5012408 (VCV005012408.1).

ClinVar aggregate classification (germline): Pathogenic (1 of 4 stars; one submission).

Conditions:
LAMA2-related muscular dystrophy (LAMA2-RD). Also called: Laminin alpha 2-related dystrophy. Identifiers: MedGen C5679788, MONDO:0100228.

Submission:

Myriad Genetics, Inc.
Classification: Pathogenic for LAMA2-related muscular dystrophy. Last evaluated: 2023-10-21. Review status: criteria provided, single submitter. Criteria: Myriad Autosomal Dominant, Autosomal Recessive and X-Linked Classification Criteria (2023). Collection method: clinical testing. Allele origin: unknown.
Comment: NM_000426.3(LAMA2):c.8356delC(R2786Vfs*8) is expected to be pathogenic in the context of muscular dystrophy, LAMA2-related. This variant is predicted to lead to an abnormal or absent protein product due to the creation of a premature termination codon in LAMA2, a gene where loss-of-function variants are known to be pathogenic. Please note: this variant was assessed in the context of healthy population screening.